The following is an entry in ClinVar:

NM_138395.4(MARS2):c.12G>A (p.Thr4=)

Genes: MARS2 (methionyl-tRNA synthetase 2, mitochondrial; plus strand), LOC129935364 (ATAC-STARR-seq lymphoblastoid silent region 12216; plus strand). Cytogenetic location: 2q33.1.
Variant type: single nucleotide variant.
Coding change: c.12G>A on transcript NM_138395.4 (MANE Select); coding-DNA position 12, G replaced by A.
Protein change: p.Thr4=; no amino-acid change (threonine 4 retained).
Molecular consequence: synonymous variant.
Genome position (GRCh38, 1-based): chr2:197,705,417, G>A. VCF-style: chr2-197705417-G-A. GRCh37 (hg19) VCF-style: chr2-198570141-G-A.
Other names: p.T4T:ACG>ACA; p.Thr4=.
Identifiers: ClinVar variation 138169 (VCV000138169.14), dbSNP rs114975857, ClinGen allele CA292011.

ClinVar aggregate classification (germline): Benign. Review status: criteria provided, multiple submitters, no conflicts (2 of 4 stars). 4 submissions from 4 submitters: Benign (4). Last evaluated 2026-01-14.

Allele frequency attached by ClinVar (database versions not stated): TOPMed 0.00726; 1000 Genomes Project 0.00739; ESP Exome Variant Server 0.00763; 1000 Genomes Project 30x 0.00859.

Submissions (4):

Labcorp Genetics (formerly Invitae), Labcorp
Classification: Benign. Last evaluated: 2026-01-14. Review status: criteria provided, single submitter. Criteria: Invitae Variant Classification Sherloc (09022015). Collection method: clinical testing. Allele origin: germline.

Mayo Clinic Laboratories, Mayo Clinic
Classification: Benign. Last evaluated: 2024-11-25. Review status: criteria provided, single submitter. Criteria: ACMG Guidelines, 2015. Collection method: clinical testing. Allele origin: germline. Observed: 7 variant alleles.
Comment: BS1, BS2, BP4, BP7

GeneDx
Classification: Benign. Last evaluated: 2014-01-25. Review status: criteria provided, single submitter. Criteria: GeneDx Variant Classification (06012015). Collection method: clinical testing. Allele origin: germline. Affected: yes.
Comment: This variant is considered likely benign or benign based on one or more of the following criteria: it is a conservative change, it occurs at a poorly conserved position in the protein, it is predicted to be benign by multiple in silico algorithms, and/or has population frequency not consistent with disease.

Breakthrough Genomics
Classification: Benign. Review status: criteria provided, single submitter. Criteria: ACMG Guidelines, 2015. Collection method: not provided. Allele origin: germline. Inheritance: Autosomal recessive inheritance. Affected: yes.